The following is an entry in ClinVar:

NM_198428.3(BBS9):c.858C>G (p.Ser286Arg)

Gene: BBS9 (Bardet-Biedl syndrome 9; plus strand). Cytogenetic location: 7p14.3.
Variant type: single nucleotide variant.
Coding change: c.858C>G on transcript NM_198428.3 (MANE Select); coding-DNA position 858, C replaced by G.
Protein change: p.Ser286Arg; replaces serine 286 with arginine.
Molecular consequence: missense variant. On other transcripts: non-coding transcript variant (3).
Genome position (GRCh38, 1-based): chr7:33,273,167, C>G. VCF-style: chr7-33273167-C-G. GRCh37 (hg19) VCF-style: chr7-33312779-C-G.
Other names: c.858C>G, p.Ser286Arg (NM_001033604.2, NM_001033605.2, NM_001348036.1 and 7 more transcripts); c.492C>G, p.Ser164Arg (NM_001348037.3, NM_001348044.3, NM_001348045.3 and 1 more transcripts); c.585C>G, p.Ser195Arg (NM_001348038.3, NM_001348039.3); c.723C>G, p.Ser241Arg (NM_001348042.3); short protein forms S241R, S286R, S164R, S195R.
Identifiers: ClinVar variation 1998938 (VCV001998938.4), dbSNP rs377536328, ClinGen allele CA367254620.

ClinVar aggregate classification (germline): Uncertain significance (1 of 4 stars; one submission).

Conditions:
Bardet-Biedl syndrome (BBS). Identifiers: Orphanet 110, MedGen C0752166, MONDO:0015229.

Allele frequency attached by ClinVar (database versions not stated): gnomAD exomes below 0.00001.
gnomAD v4.1: 1 of 1,613,524 alleles (0.000062%); highest among the groups gnomAD compares: Non-Finnish European, 0.000085%; no homozygotes.

Submission:

Labcorp Genetics (formerly Invitae), Labcorp
Classification: Uncertain significance for Bardet-Biedl syndrome. Last evaluated: 2022-05-25. Review status: criteria provided, single submitter. Criteria: Invitae Variant Classification Sherloc (09022015). Collection method: clinical testing. Allele origin: germline.
Comment: In summary, the available evidence is currently insufficient to determine the role of this variant in disease. Therefore, it has been classified as a Variant of Uncertain Significance. Algorithms developed to predict the effect of missense changes on protein structure and function (SIFT, PolyPhen-2, Align-GVGD) all suggest that this variant is likely to be disruptive. This variant has not been reported in the literature in individuals affected with BBS9-related conditions. This variant is not present in population databases (gnomAD no frequency). This sequence change replaces serine, which is neutral and polar, with arginine, which is basic and polar, at codon 286 of the BBS9 protein (p.Ser286Arg).